The following is an entry in ClinVar:

NM_000153.4(GALC):c.613T>C (p.Tyr205His)

Gene: GALC (galactosylceramidase; minus strand). Cytogenetic location: 14q31.3.
Variant type: single nucleotide variant.
Coding change: c.613T>C on transcript NM_000153.4 (MANE Select); coding-DNA position 613, T replaced by C.
Protein change: p.Tyr205His; replaces tyrosine 205 with histidine.
Molecular consequence: missense variant. On other transcripts: 5 prime UTR variant (2), non-coding transcript variant (1).
Genome position (GRCh38, 1-based): chr14:87,982,213, A>G on the plus strand (T>C on the coding strand, the complement: GALC is on the minus strand). VCF-style: chr14-87982213-A-G. GRCh37 (hg19) VCF-style: chr14-88448557-A-G.
Other names: c.544T>C, p.Tyr182His (NM_001201401.2); c.535T>C, p.Tyr179His (NM_001201402.2); c.445T>C, p.Tyr149His (NM_001424071.1, NM_001424072.1, NM_001424073.1); c.265T>C, p.Tyr89His (NM_001424074.1, NM_001424075.1); c.-55T>C (NM_001424076.1, NM_001424077.1); short protein forms Y149H, Y179H, Y182H, Y205H, Y89H.
Identifiers: ClinVar variation 3908039 (VCV003908039.1).

ClinVar aggregate classification (germline): Uncertain significance (1 of 4 stars; one submission).

gnomAD v4.1: 2 of 1,567,090 alleles (0.00013%); highest among the groups gnomAD compares: Non-Finnish European, 0.00018%; no homozygotes.

Submission:

GeneDx
Classification: Uncertain significance. Last evaluated: 2024-12-30. Review status: criteria provided, single submitter. Criteria: GeneDx Variant Classification Process June 2021. Collection method: clinical testing. Allele origin: germline. Affected: yes.
Comment: Not observed at significant frequency in large population cohorts (gnomAD); In silico analysis supports that this missense variant has a deleterious effect on protein structure/function; Has not been previously published as pathogenic or benign to our knowledge